The following is an entry in ClinVar:

ClinVar aggregate classification (germline): Conflicting classifications of pathogenicity. Review status: criteria provided, conflicting classifications (1 of 4 stars). 2 submissions from 2 submitters: Likely pathogenic (1); Uncertain significance (1). Last evaluated 2025-06-06.

Conditions:
Severe combined immunodeficiency disease. Also called: Severe combined immunodeficiency; Severe Combined Immune Deficiency. Identifiers: Orphanet 183660, MedGen C0085110, MeSH D016511, MONDO:0015974, HP:0004430. Inheritance: X-Linked or Autosomal recessive.
Hyper-IgE recurrent infection syndrome 3, autosomal recessive. Also called: HYPER-IgE SYNDROME 3, AUTOSOMAL RECESSIVE, WITH RECURRENT INFECTIONS; Autosomal recessive hyper-IgE syndrome due to ZNF341 deficiency. Identifiers: Orphanet 641368, MedGen C4748969, MONDO:0032654, OMIM 618282.

Allele frequency attached by ClinVar (database versions not stated): gnomAD exomes below 0.00001; gnomAD 0.00001.
gnomAD v4.1: 4 of 1,551,290 alleles (0.00026%); highest among the groups gnomAD compares: Admixed American, 0.0039%; no homozygotes.

Submissions (2):

Women's Health and Genetics/Laboratory Corporation of America, LabCorp
Classification: Likely pathogenic for Severe combined immunodeficiency disease. Last evaluated: 2025-06-06. Review status: criteria provided, single submitter. Criteria: LabCorp Variant Classification Summary - May 2015. Collection method: clinical testing. Allele origin: germline.
Comment: Variant summary: DOCK8 c.137G>A (p.Gly46Asp) results in a non-conservative amino acid change in the encoded protein sequence. Algorithms developed to predict the effect of missense changes on protein structure and function are either unavailable or do not agree on the potential impact of this missense change. The variant allele was found at a frequency of 1.3e-05 in 158040 control chromosomes. c.137G>A has been observed in the homozygous state in multiple individual(s) affected with clinical features of Severe Combined Immunodeficiency (example, Haskologlu_2020). These data indicate that the variant is likely to be associated with disease. To our knowledge, no experimental evidence demonstrating an impact on protein function has been reported. The following publication has been ascertained in the context of this evaluation (PMID: 32108967). ClinVar contains an entry for this variant (Variation ID: 1911912). Based on the evidence outlined above, the variant was classified as likely pathogenic.

Labcorp Genetics (formerly Invitae), Labcorp
Classification: Uncertain significance for Combined immunodeficiency due to DOCK8 deficiency. Last evaluated: 2022-07-19. Review status: criteria provided, single submitter. Criteria: Invitae Variant Classification Sherloc (09022015). Collection method: clinical testing. Allele origin: germline.
Comment: In summary, the available evidence is currently insufficient to determine the role of this variant in disease. Therefore, it has been classified as a Variant of Uncertain Significance. Algorithms developed to predict the effect of missense changes on protein structure and function (SIFT, PolyPhen-2, Align-GVGD) all suggest that this variant is likely to be tolerated. This missense change has been observed in individual(s) with clinical features of DOCK8 deficiency (PMID: 32108967). This variant is present in population databases (rs758437810, gnomAD 0.004%). This sequence change replaces glycine, which is neutral and non-polar, with aspartic acid, which is acidic and polar, at codon 46 of the DOCK8 protein (p.Gly46Asp).

Literature cited by the submitters: PubMed 32108967 (cited by Women's Health and Genetics/Laboratory Corporation of America, LabCorp and Labcorp Genetics (formerly Invitae), Labcorp).

NM_203447.4(DOCK8):c.137G>A (p.Gly46Asp)

Gene: DOCK8 (dedicator of cytokinesis 8; plus strand). Cytogenetic location: 9p24.3.
Variant type: single nucleotide variant.
Coding change: c.137G>A on transcript NM_203447.4 (MANE Select); coding-DNA position 137, G replaced by A.
Protein change: p.Gly46Asp; replaces glycine 46 with aspartic acid.
Molecular consequence: missense variant.
Genome position (GRCh38, 1-based): chr9:271,710, G>A. VCF-style: chr9-271710-G-A. GRCh37 (hg19) VCF-style: chr9-271710-G-A.
Other names: short protein forms G46D.
Identifiers: ClinVar variation 1911912 (VCV001911912.4), dbSNP rs758437810, ClinGen allele CA187758124.